The following is an entry in ClinVar:

ClinVar aggregate classification (germline): Conflicting classifications of pathogenicity. Review status: criteria provided, conflicting classifications (1 of 4 stars). 6 submissions from 6 submitters: Likely pathogenic (2); Uncertain significance (4). Last evaluated 2026-04-28.

Conditions:
ABCB4-related disorder. Also called: ABCB4-related disorders; ABCB4-related condition.
Familial intrahepatic cholestasis. Identifiers: Orphanet 284385, MedGen CN296401, MONDO:0017290.
Progressive familial intrahepatic cholestasis (PFIC). Also called: Progressive intrahepatic cholestasis; Progressive family intrahepatic cholestasis. Identifiers: Orphanet 172, MedGen C0268312, MONDO:0015762.
Progressive familial intrahepatic cholestasis type 1. Also called: BYLER DISEASE; Severe ATP8B1 Deficiency (Progressive Familial Intrahepatic Cholestasis Type 1 [PFIC1]); Byler's disease. Identifiers: Orphanet 79306, MedGen C4551898, MONDO:0008892, OMIM 211600.

Allele frequency attached by ClinVar (database versions not stated): gnomAD exomes below 0.00001; gnomAD 0.00001; TOPMed 0.00003.
gnomAD v4.1: 11 of 1,613,942 alleles (0.00068%); highest among the groups gnomAD compares: Admixed American, 0.0017%; no homozygotes.

Submissions (6):

PreventionGenetics, part of Exact Sciences
Classification: Uncertain significance for ABCB4-related condition. Last evaluated: 2026-04-28. Review status: criteria provided, single submitter. Criteria: ACMG Guidelines, 2015. Collection method: clinical testing. Allele origin: germline.
Comment: The ABCB4 c.431G>A variant is predicted to result in the amino acid substitution p.Arg144Gln. This variant has been reported in the homozygous state and with another ABCB4 variant in multiple individuals with progressive familial intrahepatic cholestasis type 3 (PFIC3) (Sharma et al. 2018. PubMed ID: 29973134; Supplement Table 1, Fang et al. 2021. PubMed ID: 33763395; Table S1, Gonzales et al. 2023. PubMed ID: 37701337; Thunga et al. 2026. PubMed ID: 41640953; Heinrich et al. 2026. PubMed ID: 41993931). An in vitro experimental study using immunofluorescence analysis of patient liver tissue suggests this variant results in decreased protein expression and reduced membrane localization (Heinrich et al. 2026. PubMed ID: 41993931). This variant is reported in 0.0040% of alleles in individuals of European (Finnish) descent in gnomAD. Although we suspect that this variant may be pathogenic, at this time, the clinical significance of this variant is uncertain due to the absence of conclusive functional and genetic evidence.

Genomenon, Inc
Classification: Uncertain significance for Familial intrahepatic cholestasis. Last evaluated: 2026-04-14. Review status: criteria provided, single submitter. Criteria: Genomenon Sequence Variant Interpretation Standards - Updated. Collection method: curation. Allele origin: germline. Affected: yes.
Comment: ABCB4 p.Arg144Gln (c.431G>A) is a missense variant that changes the amino acid at residue 144 from Arginine to Glutamine. This variant has been observed in at least one proband with an ABCB4-related disorder (PMID:37701337;33763395;29973134). It is absent or not present at a significant frequency in gnomAD. In silico models predict that this variant is possibly or probably damaging. In conclusion, we classify ABCB4 p.Arg144Gln (c.431G>A) as a variant of uncertain significance.

Women's Health and Genetics/Laboratory Corporation of America, LabCorp
Classification: Likely pathogenic for Progressive familial intrahepatic cholestasis. Last evaluated: 2025-12-10. Review status: criteria provided, single submitter. Criteria: LabCorp Variant Classification Summary - May 2015. Collection method: clinical testing. Allele origin: germline.
Comment: Variant summary: ABCB4 c.431G>A (p.Arg144Gln) results in a conservative amino acid change in the encoded protein sequence. Algorithms developed to predict the effect of missense changes on protein structure and function are either unavailable or do not agree on the potential impact of this missense change. The variant allele was found at a frequency of 4e-06 in 251356 control chromosomes (gnomAD). c.431G>A has been observed in individuals affected with Progressive Familial Intrahepatic Cholestasis (e.g. Sharma_2018, Fang_2021, Gonzales_2023). These data indicate that the variant is likely to be associated with disease. To our knowledge, no experimental evidence demonstrating an impact on protein function has been reported. The following publications have been ascertained in the context of this evaluation (PMID: 29973134, 33763395, 37701337). ClinVar contains an entry for this variant (Variation ID: 242454). Based on the evidence outlined above, the variant was classified as likely pathogenic.

Blueprint Genetics
Classification: Likely pathogenic for ABCB4-related disorders. Last evaluated: 2023-06-15. Review status: criteria provided, single submitter. Criteria: ACMG Guidelines, 2015. Collection method: clinical testing. Allele origin: germline. Affected: yes. Observed: 2 variant alleles.

Mendelics
Classification: Uncertain significance for Progressive familial intrahepatic cholestasis type 1. Last evaluated: 2019-05-28. Review status: criteria provided, single submitter. Criteria: Mendelics Assertion Criteria 2017. Collection method: clinical testing. Allele origin: unknown.

Eurofins Ntd Llc (ga)
Classification: Uncertain significance. Last evaluated: 2018-07-24. Review status: criteria provided, single submitter. Criteria: EGL ClinVar v180209 classification definitions. Collection method: clinical testing. Allele origin: germline. Observed: 1 variant allele, 1 homozygote.

Literature cited by the submitters: PubMed 37701337 (cited by Genomenon, Inc and Women's Health and Genetics/Laboratory Corporation of America, LabCorp); PubMed 33763395 (cited by Genomenon, Inc and Women's Health and Genetics/Laboratory Corporation of America, LabCorp); PubMed 29973134 (cited by Genomenon, Inc and Women's Health and Genetics/Laboratory Corporation of America, LabCorp).

NM_000443.4(ABCB4):c.431G>A (p.Arg144Gln)

Gene: ABCB4 (ATP binding cassette subfamily B member 4; minus strand). Cytogenetic location: 7q21.12.
Variant type: single nucleotide variant.
Coding change: c.431G>A on transcript NM_000443.4 (MANE Select); coding-DNA position 431, G replaced by A.
Protein change: p.Arg144Gln; replaces arginine 144 with glutamine.
Molecular consequence: missense variant.
Genome position (GRCh38, 1-based): chr7:87,453,049, C>T on the plus strand (G>A on the coding strand, the complement: ABCB4 is on the minus strand). VCF-style: chr7-87453049-C-T. GRCh37 (hg19) VCF-style: chr7-87082365-C-T.
Other names: c.431G>A (NM_000443.3); c.431G>A, p.Arg144Gln (NM_018849.3, NM_018850.3); short protein forms R144Q.
Identifiers: ClinVar variation 242454 (VCV000242454.10), dbSNP rs863225299, ClinGen allele CA085477.